The following is an entry in ClinVar:

NM_198407.2(GHSR):c.100C>A (p.Leu34Met)

Gene: GHSR (growth hormone secretagogue receptor; minus strand). Cytogenetic location: 3q26.31.
Variant type: single nucleotide variant.
Coding change: c.100C>A on transcript NM_198407.2 (MANE Select); coding-DNA position 100, C replaced by A.
Protein change: p.Leu34Met; replaces leucine 34 with methionine.
Molecular consequence: missense variant.
Genome position (GRCh38, 1-based): chr3:172,448,314, G>T on the plus strand (C>A on the coding strand, the complement: GHSR is on the minus strand). VCF-style: chr3-172448314-G-T. GRCh37 (hg19) VCF-style: chr3-172166104-G-T.
Other names: c.100C>A, p.Leu34Met (NM_004122.2); short protein forms L34M.
Identifiers: ClinVar variation 4728361 (VCV004728361.1).

ClinVar aggregate classification (germline): Uncertain significance (1 of 4 stars; one submission).

gnomAD v4.1: 1 of 1,609,832 alleles (0.000062%); highest among the groups gnomAD compares: Non-Finnish European, 0.000085%; no homozygotes.

Submission:

Labcorp Genetics (formerly Invitae), Labcorp
Classification: Uncertain significance. Last evaluated: 2025-09-17. Review status: criteria provided, single submitter. Criteria: Invitae Variant Classification Sherloc (09022015). Collection method: clinical testing. Allele origin: germline.
Comment: This sequence change replaces leucine, which is neutral and non-polar, with methionine, which is neutral and non-polar, at codon 34 of the GHSR protein (p.Leu34Met). This variant is not present in population databases (gnomAD no frequency). This variant has not been reported in the literature in individuals affected with GHSR-related conditions. Invitae Evidence Modeling of protein sequence and biophysical properties (such as structural, functional, and spatial information, amino acid conservation, physicochemical variation, residue mobility, and thermodynamic stability) indicates that this missense variant is not expected to disrupt GHSR protein function with a negative predictive value of 80%. In summary, the available evidence is currently insufficient to determine the role of this variant in disease. Therefore, it has been classified as a Variant of Uncertain Significance.